The following is an entry in ClinVar:

NM_005121.3(MED13):c.298T>C (p.Ser100Pro)

Gene: MED13 (mediator complex subunit 13; minus strand). Cytogenetic location: 17q23.2.
Variant type: single nucleotide variant.
Coding change: c.298T>C on transcript NM_005121.3 (MANE Select); coding-DNA position 298, T replaced by C.
Protein change: p.Ser100Pro; replaces serine 100 with proline.
Molecular consequence: missense variant.
Genome position (GRCh38, 1-based): chr17:62,063,070, A>G on the plus strand (T>C on the coding strand, the complement: MED13 is on the minus strand). VCF-style: chr17-62063070-A-G. GRCh37 (hg19) VCF-style: chr17-60140431-A-G.
Other names: short protein forms S100P.
Identifiers: ClinVar variation 2310493 (VCV002310493.2), dbSNP rs2081054174, ClinGen allele CA400787199.

ClinVar aggregate classification (germline): Uncertain significance (1 of 4 stars; one submission).

Conditions:
Inborn genetic diseases. Identifiers: MedGen C0950123, MeSH D030342.

Allele frequency attached by ClinVar (database versions not stated): TOPMed below 0.00001; gnomAD 0.00001; gnomAD exomes 0.00001.
gnomAD v4.1: 14 of 1,608,576 alleles (0.00087%); highest among the groups gnomAD compares: Admixed American, 0.0017%; no homozygotes.

Submission:

Ambry Genetics
Classification: Uncertain significance for Inborn genetic diseases. Last evaluated: 2022-10-07. Review status: criteria provided, single submitter. Criteria: Ambry Variant Classification Scheme 2023. Collection method: clinical testing. Allele origin: germline.
Comment: The c.298T>C (p.S100P) alteration is located in exon 2 (coding exon 2) of the MED13 gene. This alteration results from a T to C substitution at nucleotide position 298, causing the serine (S) at amino acid position 100 to be replaced by a proline (P). Based on data from gnomAD, the C allele has an overall frequency of 0.001% (1/152204) total alleles studied. The highest observed frequency was 0.007% (1/15272) of Latino/Admixed American alleles. This amino acid position is not well conserved in available vertebrate species. This alteration is predicted to be tolerated by in silico analysis. Based on insufficient or conflicting evidence, the clinical significance of this alteration remains unclear.